The following is an entry in ClinVar:

ClinVar aggregate classification (germline): Pathogenic (1 of 4 stars; one submission).

Allele frequency attached by ClinVar (database versions not stated): TOPMed below 0.00001; gnomAD 0.00001.

Submission:

Labcorp Genetics (formerly Invitae), Labcorp
Classification: Pathogenic. Last evaluated: 2023-11-13. Review status: criteria provided, single submitter. Criteria: Invitae Variant Classification Sherloc (09022015). Collection method: clinical testing. Allele origin: germline.
Comment: This sequence change creates a premature translational stop signal (p.Tyr181*) in the GP6 gene. It is expected to result in an absent or disrupted protein product. Loss-of-function variants in GP6 are known to be pathogenic (PMID: 16139873, 23815599). This variant is not present in population databases (gnomAD no frequency). This variant has not been reported in the literature in individuals affected with GP6-related conditions. For these reasons, this variant has been classified as Pathogenic.

Literature cited by the submitters: PubMed 16139873; PubMed 23815599.

NM_016363.5(GP6):c.543C>A (p.Tyr181Ter)

Gene: GP6 (glycoprotein VI platelet; minus strand). Cytogenetic location: 19q13.42.
Variant type: single nucleotide variant.
Coding change: c.543C>A on transcript NM_016363.5 (MANE Select); coding-DNA position 543, C replaced by A.
Protein change: p.Tyr181Ter; replaces tyrosine 181 with a stop codon.
Molecular consequence: nonsense.
Genome position (GRCh38, 1-based): chr19:55,027,645, G>T on the plus strand (C>A on the coding strand, the complement: GP6 is on the minus strand). VCF-style: chr19-55027645-G-T. GRCh37 (hg19) VCF-style: chr19-55539013-G-T.
Other names: c.543C>A, p.Tyr181Ter (NM_001083899.2, NM_001256017.2); short protein forms Y181*.
Identifiers: ClinVar variation 2903349 (VCV002903349.3), dbSNP rs2074357706, ClinGen allele CA407486385.